The following is an entry in ClinVar:

NM_015354.3(NUP188):c.3516-14A>G

Gene: NUP188 (nucleoporin 188; plus strand). Cytogenetic location: 9q34.11.
Variant type: single nucleotide variant.
Coding change: c.3516-14A>G on transcript NM_015354.3 (MANE Select); 14 bases into the intron before coding-DNA position 3516, A replaced by G.
Molecular consequence: intron variant.
Genome position (GRCh38, 1-based): chr9:128,999,158, A>G. VCF-style: chr9-128999158-A-G. GRCh37 (hg19) VCF-style: chr9-131761437-A-G.
Identifiers: ClinVar variation 403263 (VCV000403263.7), dbSNP rs2004632, ClinGen allele CA5273001.

ClinVar aggregate classification (germline): Benign. Review status: criteria provided, multiple submitters, no conflicts (2 of 4 stars). 3 submissions from 3 submitters: Benign (3). Last evaluated 2021-09-05.

Conditions:
Sandestig-stefanova syndrome. Identifiers: MedGen C5394118, MONDO:0032926, OMIM 618804.

Allele frequency attached by ClinVar (database versions not stated): 1000 Genomes Project 30x 0.25984; 1000 Genomes Project 0.26178; ESP Exome Variant Server 0.29502; TOPMed 0.30063; gnomAD 0.30663 and 0.30759; ExAC 0.34937; gnomAD exomes 0.35507 and 0.37912.
gnomAD v4.1: 598,620 of 1,611,260 alleles (37%); highest among the groups gnomAD compares: Admixed American, 42%; 116,379 homozygotes.

Submissions (3):

Genome-Nilou Lab
Classification: Benign for Sandestig-stefanova syndrome. Last evaluated: 2021-09-05. Review status: criteria provided, single submitter. Criteria: ACMG Guidelines, 2015. Collection method: clinical testing. Allele origin: germline. Affected: no.

Laboratory for Molecular Medicine, Mass General Brigham Personalized Medicine
Classification: Benign. Last evaluated: 2016-03-29. Review status: criteria provided, single submitter. Criteria: LMM Criteria. Collection method: clinical testing. Allele origin: germline.
Comment: Variant identified in a genome or exome case(s) and assessed due to predicted null impact of the variant or pathogenic assertions in the literature or databases. Disclaimer: This variant has not undergone full assessment. The following are preliminary notes: Frequency

Breakthrough Genomics
Classification: Benign. Review status: criteria provided, single submitter. Criteria: ACMG Guidelines, 2015. Collection method: not provided. Allele origin: germline. Inheritance: Autosomal recessive inheritance. Affected: yes.